The following is an entry in ClinVar:

ClinVar aggregate classification (germline): Uncertain significance (1 of 4 stars; one submission).

Conditions:
Inborn genetic diseases. Identifiers: MedGen C0950123, MeSH D030342.

Allele frequency attached by ClinVar (database versions not stated): 1000 Genomes Project 0.00040; 1000 Genomes Project 30x 0.00062.
gnomAD v4.1: 37 of 1,565,770 alleles (0.0024%); highest among the groups gnomAD compares: African/African-American, 0.046%; no homozygotes.

Submission:

Ambry Genetics
Classification: Uncertain significance for Inborn genetic diseases. Last evaluated: 2022-05-06. Review status: criteria provided, single submitter. Criteria: Ambry Variant Classification Scheme 2023. Collection method: clinical testing. Allele origin: germline.
Comment: The c.897+6G>C intronic alteration consists of a G to C substitution 6 nucleotides after exon 7 of the PMPCA gene. Based on insufficient or conflicting evidence, the clinical significance of this alteration remains unclear.

NM_015160.3(PMPCA):c.897+6G>C

Gene: PMPCA (peptidase, mitochondrial processing subunit alpha; plus strand). Cytogenetic location: 9q34.3.
Variant type: single nucleotide variant.
Coding change: c.897+6G>C on transcript NM_015160.3 (MANE Select); 6 bases into the intron after coding-DNA position 897, G replaced by C.
Molecular consequence: intron variant.
Genome position (GRCh38, 1-based): chr9:136,417,220, G>C. VCF-style: chr9-136417220-G-C. GRCh37 (hg19) VCF-style: chr9-139311672-G-C.
Other names: c.597+6G>C (NM_001282946.2); c.504+6G>C (NM_001282944.2).
Identifiers: ClinVar variation 2280273 (VCV002280273.2), dbSNP rs150776126, ClinGen allele CA5336184.